The following is an entry in ClinVar:

NM_002471.4(MYH6):c.3574G>A (p.Ala1192Thr)

Gene: MYH6 (myosin heavy chain 6; minus strand). Cytogenetic location: 14q11.2.
Variant type: single nucleotide variant.
Coding change: c.3574G>A on transcript NM_002471.4 (MANE Select); coding-DNA position 3574, G replaced by A.
Protein change: p.Ala1192Thr; replaces alanine 1192 with threonine.
Molecular consequence: missense variant.
Genome position (GRCh38, 1-based): chr14:23,390,215, C>T on the plus strand (G>A on the coding strand, the complement: MYH6 is on the minus strand). VCF-style: chr14-23390215-C-T. GRCh37 (hg19) VCF-style: chr14-23859424-C-T.
Other names: short protein forms A1192T.
Identifiers: ClinVar variation 3717985 (VCV003717985.3).

ClinVar aggregate classification (germline): Uncertain significance. Review status: criteria provided, multiple submitters, no conflicts (2 of 4 stars). 2 submissions from 2 submitters: Uncertain significance (2). Last evaluated 2024-12-25.

Conditions:
Dilated cardiomyopathy 1EE (CMD1EE). Identifiers: Orphanet 154, MedGen C2750466, MONDO:0013198, OMIM 613252.
Hypertrophic cardiomyopathy 14. Identifiers: MedGen C2750467, MONDO:0013197, OMIM 613251.

gnomAD v4.1: 14 of 1,597,726 alleles (0.00088%); highest among the groups gnomAD compares: East Asian, 0.0067%; no homozygotes.

Submissions (2):

Labcorp Genetics (formerly Invitae), Labcorp
Classification: Uncertain significance for Hypertrophic cardiomyopathy 14. Last evaluated: 2024-12-25. Review status: criteria provided, single submitter. Criteria: Invitae Variant Classification Sherloc (09022015). Collection method: clinical testing. Allele origin: germline.
Comment: This sequence change replaces alanine, which is neutral and non-polar, with threonine, which is neutral and polar, at codon 1192 of the MYH6 protein (p.Ala1192Thr). This variant is present in population databases (rs574066490, gnomAD 0.02%). This variant has not been reported in the literature in individuals affected with MYH6-related conditions. Invitae Evidence Modeling of protein sequence and biophysical properties (such as structural, functional, and spatial information, amino acid conservation, physicochemical variation, residue mobility, and thermodynamic stability) indicates that this missense variant is not expected to disrupt MYH6 protein function with a negative predictive value of 80%. In summary, the available evidence is currently insufficient to determine the role of this variant in disease. Therefore, it has been classified as a Variant of Uncertain Significance.

Clinical Genomics Laboratory, Stanford Medicine
Classification: Uncertain significance for Dilated cardiomyopathy 1EE; Hypertrophic cardiomyopathy 14. Last evaluated: 2021-09-27. Review status: criteria provided, single submitter. Criteria: ACMG Guidelines, 2015. Collection method: clinical testing. Allele origin: germline. Observed: 1 variant allele, 1 heterozygote.
Comment: The p.Ala1192Thr variant in the MYH6 gene has not been previously reported in association with disease. This variant has been identified in 3/17,376 East Asian chromosomes by the Genome Aggregation Database. Computational tools predict that this variant is deleterious; however, the accuracy of in silico algorithms is limited. These data were assessed using the ACMG/AMP variant interpretation guidelines. In summary, the significance of the p.Ala1192Thr variant is uncertain. Additional information is needed to resolve the significance of this variant. [ACMG evidence codes used: PM2; PP3]